The following is an entry in ClinVar:

NM_001457.4(FLNB):c.2060G>A (p.Gly687Glu)

Gene: FLNB (filamin B; plus strand). Cytogenetic location: 3p14.3.
Variant type: single nucleotide variant.
Coding change: c.2060G>A on transcript NM_001457.4 (MANE Select); coding-DNA position 2060, G replaced by A.
Protein change: p.Gly687Glu; replaces glycine 687 with glutamic acid.
Molecular consequence: missense variant.
Genome position (GRCh38, 1-based): chr3:58,109,183, G>A. VCF-style: chr3-58109183-G-A. GRCh37 (hg19) VCF-style: chr3-58094910-G-A.
Other names: c.2060G>A, p.Gly687Glu (NM_001164317.2, NM_001164318.2, NM_001164319.2); short protein forms G687E.
Identifiers: ClinVar variation 4801691 (VCV004801691.1).
Genomic context (GRCh38, chr3:58,109,183, plus strand): 5'-GTCTGATAGAGACAGTGTGAGGGCCACCTCTGGTCCTAGCTCTGGCTTTTTTGCAGGATG[G>A]GGAAGGCCAACGCATTGACATCCAGATGAAGAACCGGATGGACGGCACATATGCATGCTC-3'
Protein context (NP_001448.2, residues 677-697): KAPLKIFAQD[Gly687Glu]EGQRIDIQMK

ClinVar aggregate classification (germline): Uncertain significance (1 of 4 stars; one submission).

Submission:

Labcorp Genetics (formerly Invitae), Labcorp
Classification: Uncertain significance. Last evaluated: 2025-07-14. Review status: criteria provided, single submitter. Criteria: Invitae Variant Classification Sherloc (09022015). Collection method: clinical testing. Allele origin: germline.
Comment: This sequence change replaces glycine, which is neutral and non-polar, with glutamic acid, which is acidic and polar, at codon 687 of the FLNB protein (p.Gly687Glu). This variant is not present in population databases (gnomAD no frequency). This variant has not been reported in the literature in individuals affected with FLNB-related conditions. Invitae Evidence Modeling of protein sequence and biophysical properties (such as structural, functional, and spatial information, amino acid conservation, physicochemical variation, residue mobility, and thermodynamic stability) indicates that this missense variant is not expected to disrupt FLNB protein function with a negative predictive value of 95%. In summary, the available evidence is currently insufficient to determine the role of this variant in disease. Therefore, it has been classified as a Variant of Uncertain Significance.